The following is an entry in ClinVar:

ClinVar aggregate classification (germline): Uncertain significance (1 of 4 stars; one submission).

Conditions:
Primary ciliary dyskinesia. Also called: Ciliary dyskinesia. Identifiers: Orphanet 244, MedGen C0008780, MONDO:0016575, HP:0012265.

Submission:

Labcorp Genetics (formerly Invitae), Labcorp
Classification: Uncertain significance for Primary ciliary dyskinesia. Last evaluated: 2023-07-07. Review status: criteria provided, single submitter. Criteria: Invitae Variant Classification Sherloc (09022015). Collection method: clinical testing. Allele origin: germline.
Comment: In summary, the available evidence is currently insufficient to determine the role of this variant in disease. Therefore, it has been classified as a Variant of Uncertain Significance. Advanced modeling of protein sequence and biophysical properties (such as structural, functional, and spatial information, amino acid conservation, physicochemical variation, residue mobility, and thermodynamic stability) performed at Invitae indicates that this missense variant is not expected to disrupt DNAH8 protein function. ClinVar contains an entry for this variant (Variation ID: 1388708). This variant has not been reported in the literature in individuals affected with DNAH8-related conditions. This variant is not present in population databases (gnomAD no frequency). This sequence change replaces serine, which is neutral and polar, with glycine, which is neutral and non-polar, at codon 1816 of the DNAH8 protein (p.Ser1816Gly).

NM_001206927.2(DNAH8):c.5446A>G (p.Ser1816Gly)

Gene: DNAH8 (dynein axonemal heavy chain 8; plus strand). Cytogenetic location: 6p21.2.
Variant type: single nucleotide variant.
Coding change: c.5446A>G on transcript NM_001206927.2 (MANE Select); coding-DNA position 5446, A replaced by G.
Protein change: p.Ser1816Gly; replaces serine 1816 with glycine.
Molecular consequence: missense variant.
Genome position (GRCh38, 1-based): chr6:38,851,654, A>G. VCF-style: chr6-38851654-A-G. GRCh37 (hg19) VCF-style: chr6-38819430-A-G.
Other names: c.4795A>G, p.Ser1599Gly (NM_001371.4); short protein forms S1599G, S1816G.
Identifiers: ClinVar variation 1388708 (VCV001388708.6), dbSNP rs2150389160, ClinGen allele CA364012630.